The following is an entry in ClinVar:

NM_004656.4(BAP1):c.1460C>T (p.Thr487Ile)

Gene: BAP1 (BRCA1 associated deubiquitinase 1; minus strand). Cytogenetic location: 3p21.1.
Variant type: single nucleotide variant.
Coding change: c.1460C>T on transcript NM_004656.4 (MANE Select); coding-DNA position 1460, C replaced by T.
Protein change: p.Thr487Ile; replaces threonine 487 with isoleucine.
Molecular consequence: missense variant.
Genome position (GRCh38, 1-based): chr3:52,403,685, G>A on the plus strand (C>T on the coding strand, the complement: BAP1 is on the minus strand). VCF-style: chr3-52403685-G-A. GRCh37 (hg19) VCF-style: chr3-52437701-G-A.
Other names: c.1406C>T, p.Thr469Ile (NM_001410772.1); c.1460C>T (NM_004656.3); short protein forms T469I, T487I.
Identifiers: ClinVar variation 1773151 (VCV001773151.5), dbSNP rs2153226713, ClinGen allele CA353101207.

ClinVar aggregate classification (germline): Uncertain significance. Review status: criteria provided, multiple submitters, no conflicts (2 of 4 stars). 3 submissions from 3 submitters: Uncertain significance (3). Last evaluated 2024-11-08.

Conditions:
Hereditary cancer-predisposing syndrome. Also called: Hereditary Cancer Syndrome; Hereditary neoplastic syndrome; Neoplastic Syndromes, Hereditary; Tumor predisposition. Identifiers: Orphanet 140162, MedGen C0027672, MeSH D009386, MONDO:0015356.
BAP1-related tumor predisposition syndrome (TPDS1). Also called: COMMON Syndrome; TUMOR PREDISPOSITION SYNDROME 1; BAP1 tumor predisposition syndrome; Tumor susceptibility linked to germline BAP1 mutations. Identifiers: Orphanet 289539, MedGen C3280492, MONDO:0013692, OMIM 614327.

Submissions (3):

Quest Diagnostics Nichols Institute San Juan Capistrano
Classification: Uncertain significance. Last evaluated: 2024-11-08. Review status: criteria provided, single submitter. Criteria: Quest Diagnostics criteria. Collection method: clinical testing. Allele origin: unknown.
Comment: The BAP1 c.1460C>T (p.Thr487Ile) variant has not been reported in individuals with BAP1-related conditions in the published literature. It also has not been reported in large, multi-ethnic general populations (Genome Aggregation Database). Analysis of this variant using bioinformatics tools for the prediction of the effect of amino acid changes on protein structure and function yielded conflicting predictions that this variant is benign or damaging. Based on the available information, we are unable to determine the clinical significance of this variant.

Ambry Genetics
Classification: Uncertain significance for Hereditary cancer-predisposing syndrome. Last evaluated: 2024-08-14. Review status: criteria provided, single submitter. Criteria: Ambry Variant Classification Scheme 2023. Collection method: clinical testing. Allele origin: germline.
Comment: The p.T487I variant (also known as c.1460C>T), located in coding exon 13 of the BAP1 gene, results from a C to T substitution at nucleotide position 1460. The threonine at codon 487 is replaced by isoleucine, an amino acid with similar properties. This amino acid position is highly conserved in available vertebrate species. In addition, the in silico prediction for this alteration is inconclusive. Based on the available evidence, the clinical significance of this variant remains unclear.

Baylor Genetics
Classification: Uncertain significance for BAP1-related tumor predisposition syndrome. Last evaluated: 2023-05-08. Review status: criteria provided, single submitter. Criteria: ACMG Guidelines, 2015. Collection method: clinical testing. Allele origin: unknown.